The following is an entry in ClinVar:

ClinVar aggregate classification (germline): Pathogenic (1 of 4 stars; one submission).

Conditions:
PURA-related severe neonatal hypotonia-seizures-encephalopathy syndrome (NEDRIHF). Also called: NEURODEVELOPMENTAL DISORDER WITH NEONATAL RESPIRATORY INSUFFICIENCY, HYPOTONIA, AND FEEDING DIFFICULTIES; PURA-Related Neurodevelopmental Disorders. Identifiers: Orphanet 438213, Orphanet 438216, MedGen C4015357, MONDO:1060108, OMIM 616158, MONDO:0018580.

Submission:

Labcorp Genetics (formerly Invitae), Labcorp
Classification: Pathogenic for PURA-related severe neonatal hypotonia-seizures-encephalopathy syndrome. Last evaluated: 2019-11-03. Review status: criteria provided, single submitter. Criteria: Invitae Variant Classification Sherloc (09022015). Collection method: clinical testing. Allele origin: germline.
Comment: For these reasons, this variant has been classified as Pathogenic. This variant disrupts the C-terminus of the PURA protein. Other variant(s) that disrupt this region (p.Gln186*, p.Tyr261*) have been determined to be pathogenic (PMID: 25439098). This suggests that variants that disrupt this region of the protein are likely to be causative of disease. This variant has not been reported in the literature in individuals with PURA-related conditions. The frequency data for this variant in the population databases is considered unreliable, as metrics indicate insufficient coverage at this position in the ExAC database. This sequence change results in a premature translational stop signal in the PURA gene (p.Ala50Profs*28). While this is not anticipated to result in nonsense mediated decay, it is expected to disrupt the last 273 amino acids of the PURA protein.

Literature cited by the submitters: PubMed 25439098.

NM_005859.5(PURA):c.148del (p.Ala50fs)

Gene: PURA (purine rich element binding protein A; plus strand). Cytogenetic location: 5q31.3.
Variant type: Deletion.
Coding change: c.148del on transcript NM_005859.5 (MANE Select); coding-DNA position 148, one base deleted (G; older notation c.148delG).
Protein change: p.Ala50fs; shifts the reading frame from alanine 50.
Molecular consequence: frameshift variant.
Genome position (GRCh38, 1-based): chr5:140,114,329, G deleted; the last of 4 consecutive G bases (chr5:140,114,326-140,114,329); deleting any one gives the same sequence. VCF-style (leftmost placement, unchanged base first): chr5-140114325-CG-C. GRCh37 (hg19) VCF-style: chr5-139493910-CG-C.
Other names: short protein forms A50fs.
Identifiers: ClinVar variation 965454 (VCV000965454.10), dbSNP rs1554129035, ClinGen allele CA1139659097.